The following is an entry in ClinVar:

NM_006258.4(PRKG1):c.1569A>T (p.Lys523Asn)

Gene: PRKG1 (protein kinase cGMP-dependent 1; plus strand). Cytogenetic location: 10q21.1.
Variant type: single nucleotide variant.
Coding change: c.1569A>T on transcript NM_006258.4 (MANE Select); coding-DNA position 1569, A replaced by T.
Protein change: p.Lys523Asn; replaces lysine 523 with asparagine.
Molecular consequence: missense variant.
Genome position (GRCh38, 1-based): chr10:52,282,176, A>T. VCF-style: chr10-52282176-A-T. GRCh37 (hg19) VCF-style: chr10-54041936-A-T.
Other names: c.1524A>T, p.Lys508Asn (NM_001098512.3); c.360A>T, p.Lys120Asn (NM_001374781.1); short protein forms K523N, K508N, K120N.
Identifiers: ClinVar variation 3693300 (VCV003693300.2).

ClinVar aggregate classification (germline): Uncertain significance (1 of 4 stars; one submission).

Conditions:
Aortic aneurysm, familial thoracic 8 (AAT8). Identifiers: MedGen C3809513, MONDO:0014187, OMIM 615436.

Submission:

Labcorp Genetics (formerly Invitae), Labcorp
Classification: Uncertain significance for Aortic aneurysm, familial thoracic 8. Last evaluated: 2025-01-20. Review status: criteria provided, single submitter. Criteria: Invitae Variant Classification Sherloc (09022015). Collection method: clinical testing. Allele origin: germline.
Comment: This sequence change replaces lysine, which is basic and polar, with asparagine, which is neutral and polar, at codon 523 of the PRKG1 protein (p.Lys523Asn). This variant is not present in population databases (gnomAD no frequency). This variant has not been reported in the literature in individuals affected with PRKG1-related conditions. An algorithm developed to predict the effect of missense changes on protein structure and function (PolyPhen-2) suggests that this variant is likely to be disruptive. In summary, the available evidence is currently insufficient to determine the role of this variant in disease. Therefore, it has been classified as a Variant of Uncertain Significance.